The following is an entry in ClinVar:

ClinVar aggregate classification (germline): Conflicting classifications of pathogenicity. Review status: criteria provided, conflicting classifications (1 of 4 stars). 2 submissions from 2 submitters: Pathogenic (1); Uncertain significance (1). Last evaluated 2024-10-29.

Conditions:
Neurodevelopmental disorder. Identifiers: MedGen C1535926, MeSH D065886, MONDO:0700092.

Submissions (2):

GeneDx
Classification: Pathogenic. Last evaluated: 2024-10-29. Review status: criteria provided, single submitter. Criteria: GeneDx Variant Classification Process June 2021. Collection method: clinical testing. Allele origin: germline. Affected: yes.
Comment: Not observed at significant frequency in large population cohorts (gnomAD); In silico analysis supports that this missense variant has a deleterious effect on protein structure/function; Observed as an apparently de novo variant in a patient from a cohort of individuals with autism; however, detailed clinical information was not provided (PMID: 35982160); This variant is associated with the following publications: (PMID: 35982159, 35982160)

Laboratory of Molecular Genetics (Pr. Bezieau's lab), CHU de Nantes
Classification: Uncertain significance for Neurodevelopmental disorder. Last evaluated: 2021-07-19. Review status: criteria provided, single submitter. Criteria: ACMG Guidelines, 2015. Collection method: clinical testing. Allele origin: germline. Affected: yes.

NM_001385012.1(NBEA):c.8287G>A (p.Gly2763Arg)

Gene: NBEA (neurobeachin; plus strand). Cytogenetic location: 13q13.3.
Variant type: single nucleotide variant.
Coding change: c.8287G>A on transcript NM_001385012.1 (MANE Select); coding-DNA position 8287, G replaced by A.
Protein change: p.Gly2763Arg; replaces glycine 2763 with arginine.
Molecular consequence: missense variant.
Genome position (GRCh38, 1-based): chr13:35,655,674, G>A. VCF-style: chr13-35655674-G-A. GRCh37 (hg19) VCF-style: chr13-36229811-G-A.
Other names: c.1603G>A, p.Gly535Arg (NM_001204197.3); c.8278G>A, p.Gly2760Arg (NM_001379245.1); c.8224G>A, p.Gly2742Arg (NM_015678.5); c.8224G>A (NM_015678.4); short protein forms G2742R, G2760R, G2763R, G535R.
Identifiers: ClinVar variation 1321959 (VCV001321959.2), dbSNP rs2153082051, ClinGen allele CA387841494.